The following is an entry in ClinVar:

NM_001008212.2(OPTN):c.1475T>G (p.Leu492Arg)

Gene: OPTN (optineurin; plus strand). Cytogenetic location: 10p13.
Variant type: single nucleotide variant.
Coding change: c.1475T>G on transcript NM_001008212.2 (MANE Select); coding-DNA position 1475, T replaced by G.
Protein change: p.Leu492Arg; replaces leucine 492 with arginine.
Molecular consequence: missense variant.
Genome position (GRCh38, 1-based): chr10:13,132,140, T>G. VCF-style: chr10-13132140-T-G. GRCh37 (hg19) VCF-style: chr10-13174140-T-G.
Other names: c.1475T>G, p.Leu492Arg (NM_001008211.1, NM_001008213.1, NM_021980.4); short protein forms L492R.
Identifiers: ClinVar variation 4783273 (VCV004783273.1).

ClinVar aggregate classification (germline): Uncertain significance (1 of 4 stars; one submission).

Conditions:
Primary open angle glaucoma (POAG). Also called: OPTN-related open angle glaucoma. Identifiers: MedGen C0339573, MONDO:0100553, OMIM 137760.
Glaucoma 1, open angle, E. Identifiers: MedGen C1842026, MONDO:0007665.
Amyotrophic lateral sclerosis type 12 (ALS12). Also called: AMYOTROPHIC LATERAL SCLEROSIS 12 WITH OR WITHOUT FRONTOTEMPORAL DEMENTIA. Identifiers: Orphanet 803, MedGen C3150692, MONDO:0013264, OMIM 613435.

Submission:

Labcorp Genetics (formerly Invitae), Labcorp
Classification: Uncertain significance for Primary open angle glaucoma; Glaucoma 1, open angle, E; Amyotrophic lateral sclerosis type 12. Last evaluated: 2025-08-03. Review status: criteria provided, single submitter. Criteria: Invitae Variant Classification Sherloc (09022015). Collection method: clinical testing. Allele origin: germline.
Comment: This sequence change replaces leucine, which is neutral and non-polar, with arginine, which is basic and polar, at codon 492 of the OPTN protein (p.Leu492Arg). This variant is not present in population databases (gnomAD no frequency). This variant has not been reported in the literature in individuals affected with OPTN-related conditions. Invitae Evidence Modeling of protein sequence and biophysical properties (such as structural, functional, and spatial information, amino acid conservation, physicochemical variation, residue mobility, and thermodynamic stability) indicates that this missense variant is expected to disrupt OPTN protein function with a positive predictive value of 80%. In summary, the available evidence is currently insufficient to determine the role of this variant in disease. Therefore, it has been classified as a Variant of Uncertain Significance.